The following is an entry in ClinVar:

NM_006231.4(POLE):c.428A>G (p.Asn143Ser)

Gene: POLE (DNA polymerase epsilon, catalytic subunit; minus strand). Cytogenetic location: 12q24.33.
Variant type: single nucleotide variant.
Coding change: c.428A>G on transcript NM_006231.4 (MANE Select); coding-DNA position 428, A replaced by G.
Protein change: p.Asn143Ser; replaces asparagine 143 with serine.
Molecular consequence: missense variant.
Genome position (GRCh38, 1-based): chr12:132,679,647, T>C on the plus strand (A>G on the coding strand, the complement: POLE is on the minus strand). VCF-style: chr12-132679647-T-C. GRCh37 (hg19) VCF-style: chr12-133256233-T-C.
Other names: short protein forms N143S.
Identifiers: ClinVar variation 1491583 (VCV001491583.12), dbSNP rs1053441803, ClinGen allele CA246302031.

ClinVar aggregate classification (germline): Uncertain significance. Review status: criteria provided, multiple submitters, no conflicts (2 of 4 stars). 3 submissions from 3 submitters: Uncertain significance (3). Last evaluated 2026-08-06.

Conditions:
Hereditary cancer-predisposing syndrome. Also called: Hereditary Cancer Syndrome; Hereditary neoplastic syndrome; Neoplastic Syndromes, Hereditary; Tumor predisposition. Identifiers: Orphanet 140162, MedGen C0027672, MeSH D009386, MONDO:0015356.
Colorectal cancer, susceptibility to, 12 (CRCS12). Also called: COLORECTAL CANCER, SUSCEPTIBILITY TO, ON CHROMOSOME 12q24. Identifiers: Orphanet 220460, MedGen C3554460, MONDO:0014038, OMIM 615083.

Allele frequency attached by ClinVar (database versions not stated): TOPMed below 0.00001; gnomAD 0.00001.
gnomAD v4.1: 1 of 1,608,762 alleles (0.000062%); highest among the groups gnomAD compares: African/African-American, 0.0013%; no homozygotes.

Submissions (3):

OLLIN Analises Genomicas, OLLIN
Classification: Uncertain significance for Colorectal cancer, susceptibility to, 12. Last evaluated: 2026-08-06. Review status: criteria provided, single submitter. Criteria: ACMG Guidelines 2015 PMID 25741868. Collection method: clinical testing. Allele origin: germline. Inheritance: Autosomal recessive inheritance.
Comment: This missense variant, located in exon 6 (of 49), has been reported in ClinVar (accession VCV001491583.11) and in gnomAD with an allele frequency of 0.000062%. However, to our knowledge, it has not been reported in the scientific literature. In silico analysis is inconclusive regarding the impact of this variant. According to the currently available evidence, this variant has been classified as uncertain significance (PM2_P).

Labcorp Genetics (formerly Invitae), Labcorp
Classification: Uncertain significance. Last evaluated: 2026-01-20. Review status: criteria provided, single submitter. Criteria: Invitae Variant Classification Sherloc (09022015). Collection method: clinical testing. Allele origin: germline.
Comment: This sequence change replaces asparagine, which is neutral and polar, with serine, which is neutral and polar, at codon 143 of the POLE protein (p.Asn143Ser). This variant is not present in population databases (gnomAD no frequency). This variant has not been reported in the literature in individuals affected with POLE-related conditions. ClinVar contains an entry for this variant (Variation ID: 1491583). Invitae Evidence Modeling of protein sequence and biophysical properties (such as structural, functional, and spatial information, amino acid conservation, physicochemical variation, residue mobility, and thermodynamic stability) indicates that this missense variant is expected to disrupt POLE protein function with a positive predictive value of 80%. In summary, the available evidence is currently insufficient to determine the role of this variant in disease. Therefore, it has been classified as a Variant of Uncertain Significance.

Ambry Genetics
Classification: Uncertain significance for Hereditary cancer-predisposing syndrome. Last evaluated: 2025-05-18. Review status: criteria provided, single submitter. Criteria: Ambry Variant Classification Scheme 2023. Collection method: clinical testing. Allele origin: germline.
Comment: The p.N143S variant (also known as c.428A>G), located in coding exon 6 of the POLE gene, results from an A to G substitution at nucleotide position 428. The asparagine at codon 143 is replaced by serine, an amino acid with highly similar properties. This amino acid position is conserved. In addition, this alteration is predicted to be tolerated by in silico analysis. Since supporting evidence is limited at this time, the clinical significance of this alteration remains unclear.